The following is an entry in ClinVar:

NM_012123.4(MTO1):c.1799A>G (p.Lys600Arg)

Gene: MTO1 (mitochondrial tRNA translation optimization 1; plus strand). Cytogenetic location: 6q13.
Variant type: single nucleotide variant.
Coding change: c.1799A>G on transcript NM_012123.4 (MANE Select); coding-DNA position 1799, A replaced by G.
Protein change: p.Lys600Arg; replaces lysine 600 with arginine.
Molecular consequence: missense variant.
Genome position (GRCh38, 1-based): chr6:73,497,778, A>G. VCF-style: chr6-73497778-A-G. GRCh37 (hg19) VCF-style: chr6-74207501-A-G.
Other names: c.1919A>G, p.Lys640Arg (NM_001123226.2); c.1874A>G, p.Lys625Arg (NM_133645.3); short protein forms K600R, K625R, K640R.
Identifiers: ClinVar variation 1718935 (VCV001718935.5), dbSNP rs2533311729, ClinGen allele CA364700845.

ClinVar aggregate classification (germline): Uncertain significance (1 of 4 stars; one submission).

Conditions:
Mitochondrial hypertrophic cardiomyopathy with lactic acidosis due to MTO1 deficiency. Also called: CARDIOMYOPATHY, INFANTILE HYPERTROPHIC MITOCHONDRIAL, AND LACTIC ACIDOSIS; Combined oxidative phosphorylation deficiency 10. Identifiers: Orphanet 314637, MedGen C4749921, MONDO:0013865, OMIM 614702.

Submission:

Labcorp Genetics (formerly Invitae), Labcorp
Classification: Uncertain significance for Mitochondrial hypertrophic cardiomyopathy with lactic acidosis due to MTO1 deficiency. Last evaluated: 2022-09-27. Review status: criteria provided, single submitter. Criteria: Invitae Variant Classification Sherloc (09022015). Collection method: clinical testing. Allele origin: germline.
Comment: In summary, the available evidence is currently insufficient to determine the role of this variant in disease. Therefore, it has been classified as a Variant of Uncertain Significance. Advanced modeling of protein sequence and biophysical properties (such as structural, functional, and spatial information, amino acid conservation, physicochemical variation, residue mobility, and thermodynamic stability) performed at Invitae indicates that this missense variant is not expected to disrupt MTO1 protein function. This variant has not been reported in the literature in individuals affected with MTO1-related conditions. This variant is not present in population databases (gnomAD no frequency). This sequence change replaces lysine, which is basic and polar, with arginine, which is basic and polar, at codon 600 of the MTO1 protein (p.Lys600Arg).